The following is an entry in ClinVar:

ClinVar aggregate classification (germline): Likely benign (1 of 4 stars; one submission).

Allele frequency attached by ClinVar (database versions not stated): 1000 Genomes Project 30x 0.00062; ESP Exome Variant Server 0.00070; gnomAD 0.00346.
gnomAD v4.1: 7,830 of 1,598,146 alleles (0.49%); highest among the groups gnomAD compares: Non-Finnish European, 0.61%; 271 homozygotes.

Submission:

CeGaT Center for Human Genetics Tuebingen
Classification: Likely benign. Last evaluated: 2024-10-01. Review status: criteria provided, single submitter. Criteria: CeGaT Center For Human Genetics Tuebingen Variant Classification Criteria Version 2. Collection method: clinical testing. Allele origin: germline. Affected: yes. Observed: 4 variant alleles.
Comment: KIR2DL1: BP4, BS2

NM_014218.3(KIR2DL1):c.107G>A (p.Gly36Asp)

Gene: KIR2DL1 (killer cell immunoglobulin like receptor, two Ig domains and long cytoplasmic tail 1). Cytogenetic location: 19q13.42.
Variant type: single nucleotide variant.
Coding change: c.107G>A on transcript NM_014218.3 (MANE Select); coding-DNA position 107, G replaced by A.
Protein change: p.Gly36Asp; replaces glycine 36 with aspartic acid.
Molecular consequence: missense variant.
Genome position (GRCh38, 1-based): chr19:54,773,369, G>A. VCF-style: chr19-54773369-G-A. GRCh37 (hg19) VCF-style: chr19-55284821-G-A.
Other names: short protein forms G36D.
Identifiers: ClinVar variation 2650462 (VCV002650462.24), dbSNP rs371289444, ClinGen allele CA309884273.